The following is an entry in ClinVar:

ClinVar aggregate classification (germline): Uncertain significance. Review status: criteria provided, multiple submitters, no conflicts (2 of 4 stars). 2 submissions from 2 submitters: Uncertain significance (2). Last evaluated 2025-08-13.

Conditions:
Inborn genetic diseases. Identifiers: MedGen C0950123, MeSH D030342.

Allele frequency attached by ClinVar (database versions not stated): gnomAD 0.00001.
gnomAD v4.1: 7 of 1,614,126 alleles (0.00043%); highest among the groups gnomAD compares: African/African-American, 0.0027%; no homozygotes.

Submissions (2):

Ambry Genetics
Classification: Uncertain significance for Inborn genetic diseases. Last evaluated: 2025-08-13. Review status: criteria provided, single submitter. Criteria: Ambry Variant Classification Scheme 2023. Collection method: clinical testing. Allele origin: germline.

Labcorp Genetics (formerly Invitae), Labcorp
Classification: Uncertain significance. Last evaluated: 2024-09-23. Review status: criteria provided, single submitter. Criteria: Invitae Variant Classification Sherloc (09022015). Collection method: clinical testing. Allele origin: germline.
Comment: This sequence change replaces glycine, which is neutral and non-polar, with arginine, which is basic and polar, at codon 569 of the AARS2 protein (p.Gly569Arg). This variant is present in population databases (no rsID available, gnomAD 0.006%). This variant has not been reported in the literature in individuals affected with AARS2-related conditions. ClinVar contains an entry for this variant (Variation ID: 1954759). Invitae Evidence Modeling of protein sequence and biophysical properties (such as structural, functional, and spatial information, amino acid conservation, physicochemical variation, residue mobility, and thermodynamic stability) indicates that this missense variant is expected to disrupt AARS2 protein function with a positive predictive value of 80%. In summary, the available evidence is currently insufficient to determine the role of this variant in disease. Therefore, it has been classified as a Variant of Uncertain Significance.

NM_020745.4(AARS2):c.1705G>C (p.Gly569Arg)

Gene: AARS2 (alanyl-tRNA synthetase 2, mitochondrial; minus strand). Cytogenetic location: 6p21.1.
Variant type: single nucleotide variant.
Coding change: c.1705G>C on transcript NM_020745.4 (MANE Select); coding-DNA position 1705, G replaced by C.
Protein change: p.Gly569Arg; replaces glycine 569 with arginine.
Molecular consequence: missense variant.
Genome position (GRCh38, 1-based): chr6:44,304,692, C>G on the plus strand (G>C on the coding strand, the complement: AARS2 is on the minus strand). VCF-style: chr6-44304692-C-G. GRCh37 (hg19) VCF-style: chr6-44272429-C-G.
Other names: c.1705G>C (NM_020745.2); short protein forms G569R.
Identifiers: ClinVar variation 1954759 (VCV001954759.6), dbSNP rs1400526408, ClinGen allele CA364338451.